The following is an entry in ClinVar:

ClinVar aggregate classification (germline): Conflicting classifications of pathogenicity. Review status: criteria provided, conflicting classifications (1 of 4 stars). 2 submissions from 2 submitters: Uncertain significance (1); Likely benign (1). Last evaluated 2025-08-15.

Conditions:
Inborn genetic diseases. Identifiers: MedGen C0950123, MeSH D030342.

gnomAD v4.1: 15 of 1,613,994 alleles (0.00093%); highest among the groups gnomAD compares: Admixed American, 0.025%; 1 homozygote.

Submissions (2):

Labcorp Genetics (formerly Invitae), Labcorp
Classification: Uncertain significance. Last evaluated: 2025-08-15. Review status: criteria provided, single submitter. Criteria: Invitae Variant Classification Sherloc (09022015). Collection method: clinical testing. Allele origin: germline.
Comment: This sequence change replaces alanine, which is neutral and non-polar, with aspartic acid, which is acidic and polar, at codon 3238 of the KMT2A protein (p.Ala3238Asp). This variant is present in population databases (rs782631753, gnomAD 0.04%). This variant has not been reported in the literature in individuals affected with KMT2A-related conditions. ClinVar contains an entry for this variant (Variation ID: 1003922). Invitae Evidence Modeling of protein sequence and biophysical properties (such as structural, functional, and spatial information, amino acid conservation, physicochemical variation, residue mobility, and thermodynamic stability) has been performed for this missense variant. However, the output from this modeling did not meet the statistical confidence thresholds required to predict the impact of this variant on KMT2A protein function. In summary, the available evidence is currently insufficient to determine the role of this variant in disease. Therefore, it has been classified as a Variant of Uncertain Significance.

Ambry Genetics
Classification: Likely benign for Inborn genetic diseases. Last evaluated: 2024-09-10. Review status: criteria provided, single submitter. Criteria: Ambry Variant Classification Scheme 2023. Collection method: clinical testing. Allele origin: germline.

NM_001197104.2(KMT2A):c.9713C>A (p.Ala3238Asp)

Gene: KMT2A (lysine methyltransferase 2A; plus strand). Cytogenetic location: 11q23.3.
Variant type: single nucleotide variant.
Coding change: c.9713C>A on transcript NM_001197104.2 (MANE Select); coding-DNA position 9713, C replaced by A.
Protein change: p.Ala3238Asp; replaces alanine 3238 with aspartic acid.
Molecular consequence: missense variant.
Genome position (GRCh38, 1-based): chr11:118,505,605, C>A. VCF-style: chr11-118505605-C-A. GRCh37 (hg19) VCF-style: chr11-118376320-C-A.
Other names: c.9704C>A, p.Ala3235Asp (NM_005933.4); c.9713C>A (NM_001197104.1); short protein forms A3235D, A3238D.
Identifiers: ClinVar variation 1003922 (VCV001003922.9), dbSNP rs782631753, ClinGen allele CA6304633.
Genomic context (GRCh38, chr11:118,505,605, plus strand): 5'-CCTCTGGACTCAAGAAAAGACCCATATCTCGTCTACAGACCCGAAAGAATAAAAAACTTG[C>A]TCCCTCTAGTACCCCTTCAAACATTGCCCCTTCTGATGTGGTTTCTAATATGACATTGAT-3'
Protein context (NP_001184033.1, residues 3228-3248): RLQTRKNKKL[Ala3238Asp]PSSTPSNIAP